The following is an entry in ClinVar:

ClinVar aggregate classification (germline): Pathogenic. Review status: criteria provided, multiple submitters, no conflicts (2 of 4 stars). 2 submissions from 2 submitters: Pathogenic (2). Last evaluated 2023-08-14.

Conditions:
Hereditary cancer-predisposing syndrome. Also called: Hereditary Cancer Syndrome; Hereditary neoplastic syndrome; Neoplastic Syndromes, Hereditary; Tumor predisposition. Identifiers: Orphanet 140162, MedGen C0027672, MeSH D009386, MONDO:0015356.
Lynch syndrome 5 (LYNCH5). Also called: Hereditary non-polyposis colorectal cancer, type 5; Colorectal cancer, hereditary nonpolyposis, type 5. Identifiers: Orphanet 144, MedGen C1833477, MONDO:0013710, OMIM 614350. Disease mechanism: loss of function.

Submissions (2):

Myriad Genetics, Inc.
Classification: Pathogenic for Lynch syndrome 5. Last evaluated: 2023-08-14. Review status: criteria provided, single submitter. Criteria: Myriad Autosomal Dominant, Autosomal Recessive and X-Linked Classification Criteria (2023). Collection method: clinical testing. Allele origin: unknown.
Comment: This variant is considered pathogenic. This variant creates a frameshift predicted to result in premature protein truncation.

Ambry Genetics
Classification: Pathogenic for Hereditary cancer-predisposing syndrome. Last evaluated: 2020-02-14. Review status: criteria provided, single submitter. Criteria: Ambry Variant Classification Scheme 2023. Collection method: clinical testing. Allele origin: germline.
Comment: The c.1390delA pathogenic mutation, located in coding exon 4 of the MSH6 gene, results from a deletion of one nucleotide at nucleotide position 1390, causing a translational frameshift with a predicted alternate stop codon (p.I464Lfs*17). This alteration is expected to result in loss of function by premature protein truncation or nonsense-mediated mRNA decay. As such, this alteration is interpreted as a disease-causing mutation.

NM_000179.3(MSH6):c.1390del (p.Ile464fs)

Gene: MSH6 (mutS homolog 6; plus strand). Cytogenetic location: 2p16.3.
Variant type: Deletion.
Coding change: c.1390del on transcript NM_000179.3 (MANE Select); coding-DNA position 1390, one base deleted (A; older notation c.1390delA).
Protein change: p.Ile464fs; shifts the reading frame from isoleucine 464.
Molecular consequence: frameshift variant.
Genome position (GRCh38, 1-based): chr2:47,799,373, A deleted; the last of 3 consecutive A bases (chr2:47,799,371-47,799,373); deleting any one gives the same sequence. VCF-style (leftmost placement, unchanged base first): chr2-47799370-GA-G. GRCh37 (hg19) VCF-style: chr2-48026509-GA-G.
Other names: c.1000del, p.Ile334fs (NM_001281492.2); c.484del, p.Ile162fs (NM_001281493.2, NM_001281494.2); c.1486delA, p.Ile496Leufs (NM_001406795.1, NM_001406802.1); c.1390delA, p.Ile464Leufs (NM_001406796.1, NM_001406798.1, NM_001406800.1 and 4 more transcripts); c.1093delA, p.Ile365Leufs (NM_001406797.1, NM_001406801.1, NM_001406805.1 and 10 more transcripts); c.865delA, p.Ile289Leufs (NM_001406799.1, NM_001406806.1, NM_001406807.1); c.1312delA, p.Ile438Leufs (NM_001406804.1); c.484delA, p.Ile162Leufs (NM_001406811.1, NM_001406812.1, NM_001406814.1 and 4 more transcripts); and 2 more; short protein forms I162fs, I464fs, I334fs.
Identifiers: ClinVar variation 1771543 (VCV001771543.3), dbSNP rs2530606827, ClinGen allele CA2580067581.
Genomic context (GRCh38, chr2:47,799,370, plus strand): 5'-GGAGTCAGTGAACTGGGGCTGGTATTCATGAAAGGCAACTGGGCCCATTCTGGCTTTCCT[GA>G]AATTGCATTTGGCCGTTATTCAGATTCCCTGGTGCAGAAGGGCTATAAAGTAGCACGAGT-3'